The following is an entry in ClinVar:

ClinVar aggregate classification (germline): Likely pathogenic (1 of 4 stars; one submission).

Conditions:
MC4R-related disorder. Also called: MC4R-related condition.

Submission:

PreventionGenetics, part of Exact Sciences
Classification: Likely pathogenic for MC4R-related condition. Last evaluated: 2026-02-18. Review status: criteria provided, single submitter. Criteria: ACMG Guidelines, 2015. Collection method: clinical testing. Allele origin: germline.
Comment: The MC4R c.810_811delTT variant is predicted to result in a frameshift and premature protein termination (p.Cys271Serfs*14). To our knowledge, this variant has not been reported in the literature or in a large population database (gnomAD), indicating this variant is rare. Frameshift variants in MC4R are expected to be pathogenic. This variant is interpreted as likely pathogenic.

NM_005912.3(MC4R):c.810_811del (p.Cys271fs)

Gene: MC4R (melanocortin 4 receptor; minus strand). Cytogenetic location: 18q21.32.
Variant type: Deletion.
Coding change: c.810_811del on transcript NM_005912.3 (MANE Select); coding-DNA positions 810 to 811, 2 bases deleted (TT; older notation c.810_811delTT).
Protein change: p.Cys271fs; shifts the reading frame from cysteine 271.
Molecular consequence: frameshift variant.
Genome position (GRCh38, 1-based): chr18:60,371,539-60,371,540, AA deleted on the plus strand (TT on the coding strand, the reverse complement: MC4R is on the minus strand). VCF-style (leftmost placement, unchanged base first): chr18-60371538-CAA-C. GRCh37 (hg19) VCF-style: chr18-58038771-CAA-C.
Other names: short protein forms C271fs.
Identifiers: ClinVar variation 4987469 (VCV004987469.1).
Genomic context (GRCh38, chr18:60,371,538, plus strand): 5'-ATCAGTATGAGATACAAGTTAAAGTGAGACATGAAGCACACACAATATGGATTCTGAGGA[CAA>C]GAGATGTAGAATATTAAGTGGAGGAAGAATGGGGCCCAGCAGACAACAAAGACGCCAATC-3'